The following is an entry in ClinVar:

ClinVar aggregate classification (germline): Uncertain significance (1 of 4 stars; one submission).

Conditions:
Hyper-IgM syndrome type 5 (HIGM5). Also called: Hyper-IgM Immunodeficiency Syndrome, Type 5. Identifiers: Orphanet 101092, MedGen C1720958, MONDO:0011971, OMIM 608106.

Allele frequency attached by ClinVar (database versions not stated): TOPMed below 0.00001.

Submission:

Labcorp Genetics (formerly Invitae), Labcorp
Classification: Uncertain significance for Hyper-IgM syndrome type 5. Last evaluated: 2023-12-07. Review status: criteria provided, single submitter. Criteria: Invitae Variant Classification Sherloc (09022015). Collection method: clinical testing. Allele origin: germline.
Comment: This sequence change falls in intron 2 of the UNG gene. It does not directly change the encoded amino acid sequence of the UNG protein. It affects a nucleotide within the consensus splice site. This variant is not present in population databases (gnomAD no frequency). This variant has not been reported in the literature in individuals affected with UNG-related conditions. ClinVar contains an entry for this variant (Variation ID: 953593). Variants that disrupt the consensus splice site are a relatively common cause of aberrant splicing (PMID: 17576681, 9536098). Algorithms developed to predict the effect of sequence changes on RNA splicing suggest that this variant is not likely to affect RNA splicing. In summary, the available evidence is currently insufficient to determine the role of this variant in disease. Therefore, it has been classified as a Variant of Uncertain Significance.

Literature cited by the submitters: PubMed 17576681; PubMed 9536098.

NM_080911.3(UNG):c.340-3C>T

Gene: UNG (uracil DNA glycosylase; plus strand). Cytogenetic location: 12q24.11.
Variant type: single nucleotide variant.
Coding change: c.340-3C>T on transcript NM_080911.3 (MANE Select); 3 bases into the intron before coding-DNA position 340, C replaced by T.
Molecular consequence: intron variant.
Genome position (GRCh38, 1-based): chr12:109,099,186, C>T. VCF-style: chr12-109099186-C-T. GRCh37 (hg19) VCF-style: chr12-109536991-C-T.
Other names: c.313-3C>T (NM_003362.4).
Identifiers: ClinVar variation 953593 (VCV000953593.9), dbSNP rs2042158091, ClinGen allele CA1139662858.